The following is an entry in ClinVar:

NM_032608.7(MYO18B):c.2786+6G>A

Gene: MYO18B (myosin XVIIIB; plus strand). Cytogenetic location: 22q12.1.
Variant type: single nucleotide variant.
Coding change: c.2786+6G>A on transcript NM_032608.7 (MANE Select); 6 bases into the intron after coding-DNA position 2786, G replaced by A.
Molecular consequence: intron variant.
Genome position (GRCh38, 1-based): chr22:25,826,505, G>A. VCF-style: chr22-25826505-G-A. GRCh37 (hg19) VCF-style: chr22-26222472-G-A.
Other names: c.2786+6G>A (NM_001318245.2).
Identifiers: ClinVar variation 1403047 (VCV001403047.5), dbSNP rs763658452, ClinGen allele CA10160315.

ClinVar aggregate classification (germline): Uncertain significance (1 of 4 stars; one submission).

Allele frequency attached by ClinVar (database versions not stated): gnomAD exomes below 0.00001 and 0.00001; ExAC 0.00002; gnomAD 0.00003 and 0.00004; TOPMed 0.00006.
gnomAD v4.1: 11 of 1,611,714 alleles (0.00068%); highest among the groups gnomAD compares: African/African-American, 0.0067%; no homozygotes.

Submission:

Labcorp Genetics (formerly Invitae), Labcorp
Classification: Uncertain significance. Last evaluated: 2025-04-17. Review status: criteria provided, single submitter. Criteria: Invitae Variant Classification Sherloc (09022015). Collection method: clinical testing. Allele origin: germline.
Comment: This sequence change falls in intron 14 of the MYO18B gene. It does not directly change the encoded amino acid sequence of the MYO18B protein. It affects a nucleotide within the consensus splice site. This variant is present in population databases (rs763658452, gnomAD 0.01%). This variant has not been reported in the literature in individuals affected with MYO18B-related conditions. ClinVar contains an entry for this variant (Variation ID: 1403047). Variants that disrupt the consensus splice site are a relatively common cause of aberrant splicing (PMID: 17576681, 9536098). Algorithms developed to predict the effect of sequence changes on RNA splicing suggest that this variant is not likely to affect RNA splicing. In summary, the available evidence is currently insufficient to determine the role of this variant in disease. Therefore, it has been classified as a Variant of Uncertain Significance.

Literature cited by the submitters: PubMed 17576681; PubMed 9536098.